The following is an entry in ClinVar:

ClinVar aggregate classification (germline): Uncertain significance. Review status: criteria provided, multiple submitters, no conflicts (2 of 4 stars). 2 submissions from 2 submitters: Uncertain significance (2). Last evaluated 2024-12-10.

Allele frequency attached by ClinVar (database versions not stated): ExAC 0.00003; gnomAD 0.00003; gnomAD exomes 0.00003; TOPMed 0.00003.
gnomAD v4.1: 54 of 1,614,034 alleles (0.0033%); highest among the groups gnomAD compares: Non-Finnish European, 0.0044%; no homozygotes.

Submissions (2):

Ambry Genetics
Classification: Uncertain significance. Last evaluated: 2024-12-10. Review status: criteria provided, single submitter. Criteria: Ambry Variant Classification Scheme 2023. Collection method: clinical testing. Allele origin: germline.

Labcorp Genetics (formerly Invitae), Labcorp
Classification: Uncertain significance. Last evaluated: 2022-04-04. Review status: criteria provided, single submitter. Criteria: Invitae Variant Classification Sherloc (09022015). Collection method: clinical testing. Allele origin: germline.
Comment: This sequence change replaces serine, which is neutral and polar, with asparagine, which is neutral and polar, at codon 1261 of the PLEKHG2 protein (p.Ser1261Asn). This variant is present in population databases (rs753599994, gnomAD 0.006%). This variant has not been reported in the literature in individuals affected with PLEKHG2-related conditions. Algorithms developed to predict the effect of missense changes on protein structure and function are either unavailable or do not agree on the potential impact of this missense change (SIFT: "Deleterious"; PolyPhen-2: "Benign"; Align-GVGD: "Class C45"). In summary, the available evidence is currently insufficient to determine the role of this variant in disease. Therefore, it has been classified as a Variant of Uncertain Significance.

NM_022835.3(PLEKHG2):c.3782G>A (p.Ser1261Asn)

Gene: PLEKHG2 (pleckstrin homology and RhoGEF domain containing G2; plus strand). Cytogenetic location: 19q13.2.
Variant type: single nucleotide variant.
Coding change: c.3782G>A on transcript NM_022835.3 (MANE Select); coding-DNA position 3782, G replaced by A.
Protein change: p.Ser1261Asn; replaces serine 1261 with asparagine.
Molecular consequence: missense variant. On other transcripts: intron variant (2).
Genome position (GRCh38, 1-based): chr19:39,424,915, G>A. VCF-style: chr19-39424915-G-A. GRCh37 (hg19) VCF-style: chr19-39915555-G-A.
Other names: c.3782G>A (NM_022835.2); c.3572+33G>A (NM_001351693.2); c.1678-323G>A (NM_001351694.2); short protein forms S1261N.
Identifiers: ClinVar variation 2415142 (VCV002415142.8), dbSNP rs753599994, ClinGen allele CA9430047.